The following is an entry in ClinVar:

ClinVar aggregate classification (germline): Pathogenic (1 of 4 stars; one submission).

Conditions:
Deficiency of acetyl-CoA acetyltransferase. Also called: 3-KETOTHIOLASE DEFICIENCY; 3-OXOTHIOLASE DEFICIENCY; MITOCHONDRIAL ACETOACETYL-CoA THIOLASE DEFICIENCY; Beta-ketothiolase deficiency. Identifiers: Orphanet 134, MedGen C1536500, MONDO:0008760, OMIM 203750. Disease mechanism: loss of function.

Submission:

Labcorp Genetics (formerly Invitae), Labcorp
Classification: Pathogenic for Deficiency of acetyl-CoA acetyltransferase. Last evaluated: 2024-02-16. Review status: criteria provided, single submitter. Criteria: Invitae Variant Classification Sherloc (09022015). Collection method: clinical testing. Allele origin: germline.
Comment: This sequence change creates a premature translational stop signal (p.Gly129*) in the ACAT1 gene. It is expected to result in an absent or disrupted protein product. Loss-of-function variants in ACAT1 are known to be pathogenic (PMID: 7749408). This variant is not present in population databases (gnomAD no frequency). This variant has not been reported in the literature in individuals affected with ACAT1-related conditions. For these reasons, this variant has been classified as Pathogenic.

Literature cited by the submitters: PubMed 7749408.

NM_000019.4(ACAT1):c.381_396del (p.Ser128_Gly129insTer)

Gene: ACAT1 (acetyl-CoA acetyltransferase 1; plus strand). Cytogenetic location: 11q22.3.
Variant type: Deletion.
Coding change: c.381_396del on transcript NM_000019.4 (MANE Select); coding-DNA positions 381 to 396, 16 bases deleted (TTCAGGAATGAAAGCC).
Protein change: p.Ser128_Gly129insTer.
Molecular consequence: frameshift variant. On other transcripts: non-coding transcript variant (1), intron variant (1).
Genome position (GRCh38, 1-based): chr11:108,135,188-108,135,203, TTCAGGAATGAAAGCC deleted; deleting any 16 consecutive bases within chr11:108,135,187-108,135,203 gives the same sequence; the c. name uses the placement nearest the transcript's 3' end. VCF-style (leftmost placement, unchanged base first): chr11-108135186-GCTTCAGGAATGAAAGC-G. GRCh37 (hg19) VCF-style: chr11-108005913-GCTTCAGGAATGAAAGC-G.
Other names: c.381_396del, p.Ser128_Gly129insTer (NM_001386677.1); c.84_99del, p.Ser29_Gly30insTer (NM_001386679.1); c.111_126del, p.Ser38_Gly39insTer (NM_001386681.1, NM_001386682.1, NM_001386685.1 and 6 more transcripts); c.120+3234_120+3249del (NM_001386678.1).
Identifiers: ClinVar variation 2729132 (VCV002729132.3), dbSNP rs2496592074, ClinGen allele CA2697548951.
Genomic context (GRCh38, chr11:108,135,186, plus strand): 5'-CTTATATTGGTTTTAGGCTTACCTATTTCTACTCCATGTACCACCATAAACAAAGTTTGT[GCTTCAGGAATGAAAGC>G]CATCATGATGGCCTCTCAAAGTCTTATGTGTGGACATCAGGTAAGAAACACCGTCCTTCC-3'